The following is an entry in ClinVar:

NM_020800.3(IFT80):c.2124C>G (p.Tyr708Ter)

Genes: IFT80 (intraflagellar transport 80; minus strand), TRIM59-IFT80 (TRIM59-IFT80 readthrough (NMD candidate); minus strand). Cytogenetic location: 3q25.33.
Variant type: single nucleotide variant.
Coding change: c.2124C>G on transcript NM_020800.3 (MANE Select); coding-DNA position 2124, C replaced by G.
Protein change: p.Tyr708Ter; replaces tyrosine 708 with a stop codon.
Molecular consequence: nonsense. On other transcripts: non-coding transcript variant (3).
Genome position (GRCh38, 1-based): chr3:160,268,512, G>C on the plus strand (C>G on the coding strand, the complement: IFT80 is on the minus strand). VCF-style: chr3-160268512-G-C. GRCh37 (hg19) VCF-style: chr3-159986300-G-C.
Other names: c.1713C>G, p.Tyr571Ter (NM_001190241.2, NM_001190242.2); short protein forms Y571*, Y708*.
Identifiers: ClinVar variation 2201153 (VCV002201153.4), dbSNP rs1281270349, ClinGen allele CA355250020.

ClinVar aggregate classification (germline): Pathogenic (1 of 4 stars; one submission).

Conditions:
Jeune thoracic dystrophy. Also called: Jeune syndrome; Infantile thoracic dystrophy; Thoracic pelvic phalangeal dystrophy; Jeune's syndrome; Chondroectodermal dysplasia-like syndrome; Short-rib thoracic dysplasia. Identifiers: Orphanet 474, MedGen C0265275, MONDO:0018770.

gnomAD v4.1: 1 of 1,613,196 alleles (0.000062%); highest among the groups gnomAD compares: Admixed American, 0.0017%; no homozygotes.

Submission:

Labcorp Genetics (formerly Invitae), Labcorp
Classification: Pathogenic for Jeune thoracic dystrophy. Last evaluated: 2024-07-29. Review status: criteria provided, single submitter. Criteria: Invitae Variant Classification Sherloc (09022015). Collection method: clinical testing. Allele origin: germline.
Comment: This sequence change creates a premature translational stop signal (p.Tyr708*) in the IFT80 gene. It is expected to result in an absent or disrupted protein product. Loss-of-function variants in IFT80 are known to be pathogenic (PMID: 21227999, 23339108, 29068549). This variant is present in population databases (no rsID available, gnomAD 0.003%). This variant has not been reported in the literature in individuals affected with IFT80-related conditions. ClinVar contains an entry for this variant (Variation ID: 2201153). For these reasons, this variant has been classified as Pathogenic.

Literature cited by the submitters: PubMed 21227999; PubMed 23339108; PubMed 29068549.